The following is an entry in ClinVar:

NM_001958.5(EEF1A2):c.948G>A (p.Ser316=)

Gene: EEF1A2 (eukaryotic translation elongation factor 1 alpha 2; minus strand). Cytogenetic location: 20q13.33.
Variant type: single nucleotide variant.
Coding change: c.948G>A on transcript NM_001958.5 (MANE Select); coding-DNA position 948, G replaced by A.
Protein change: p.Ser316=; no amino-acid change (serine 316 retained).
Molecular consequence: synonymous variant.
Genome position (GRCh38, 1-based): chr20:63,490,560, C>T on the plus strand (G>A on the coding strand, the complement: EEF1A2 is on the minus strand). VCF-style: chr20-63490560-C-T. GRCh37 (hg19) VCF-style: chr20-62121913-C-T.
Identifiers: ClinVar variation 755288 (VCV000755288.30), dbSNP rs750037526, ClinGen allele CA9959002.

ClinVar aggregate classification (germline): Likely benign. Review status: criteria provided, multiple submitters, no conflicts (2 of 4 stars). 3 submissions from 3 submitters: Likely benign (3). Last evaluated 2026-01-31.

Conditions:
Developmental and epileptic encephalopathy, 33 (DEE33). Also called: Epileptic encephalopathy, early infantile, 33. Identifiers: Orphanet 442835, MedGen C4225337, MONDO:0014625, OMIM 616409.

Allele frequency attached by ClinVar (database versions not stated): ExAC 0.00001; gnomAD 0.00001; gnomAD exomes 0.00001.

Submissions (3):

Labcorp Genetics (formerly Invitae), Labcorp
Classification: Likely benign for Developmental and epileptic encephalopathy, 33. Last evaluated: 2026-01-31. Review status: criteria provided, single submitter. Criteria: Invitae Variant Classification Sherloc (09022015). Collection method: clinical testing. Allele origin: germline.

Blueprint Genetics
Classification: Likely benign. Last evaluated: 2024-08-26. Review status: criteria provided, single submitter. Criteria: ACMG Guidelines, 2015. Collection method: clinical testing. Allele origin: germline.

CeGaT Center for Human Genetics Tuebingen
Classification: Likely benign. Last evaluated: 2023-12-01. Review status: criteria provided, single submitter. Criteria: CeGaT Center For Human Genetics Tuebingen Variant Classification Criteria Version 2. Collection method: clinical testing. Allele origin: germline. Affected: yes. Observed: 1 variant allele.
Comment: EEF1A2: BP4, BP7